The following is an entry in ClinVar:

ClinVar aggregate classification (germline): Pathogenic/Likely pathogenic. Review status: criteria provided, multiple submitters, no conflicts (2 of 4 stars). 3 submissions from 3 submitters: Pathogenic (2); Likely pathogenic (1). Last evaluated 2026-03-04.

Conditions:
Early onset severe obesity. Identifiers: MedGen C4013980.
MC4R-related disorder. Also called: MC4R-related condition.

Submissions (3):

PreventionGenetics, part of Exact Sciences
Classification: Pathogenic for MC4R-related condition. Last evaluated: 2026-03-04. Review status: criteria provided, single submitter. Criteria: ACMG Guidelines, 2015. Collection method: clinical testing. Allele origin: germline.
Comment: The MC4R c.828_829delTT variant is predicted to result in premature protein termination (p.Tyr276*). This variant has been reported in two individuals with obesity (Supplemental Table S3, Kaisinger et al. 2023. PubMed ID: 37601970) and in an individual with hypoalphalipoproteinemia (Supplemental Table S3, Dong et al. 2022. PubMed ID: 35460704). This variant has not been reported in a large population database (gnomAD), indicating this variant is rare. Nonsense variants in MC4R are expected to be pathogenic. This variant is interpreted as pathogenic.

Cambridge Genomics Laboratory, East Genomic Laboratory Hub, NHS Genomic Medicine Service
Classification: Pathogenic for Severe early-onset obesity. Last evaluated: 2025-10-03. Review status: criteria provided, single submitter. Criteria: ACGS Best Practice Guidelines for Variant Classification in Rare Disease 2020. Collection method: clinical testing. Allele origin: germline. Affected: yes.
Comment: PVS1_Strong,PM2

Blueprint Genetics
Classification: Likely pathogenic for MC4R-related disorders. Last evaluated: 2020-09-08. Review status: criteria provided, single submitter. Criteria: ACMG Guidelines, 2015. Collection method: clinical testing. Allele origin: germline. Affected: yes. Observed: 1 variant allele.

NM_005912.3(MC4R):c.828_829del (p.Tyr276_Cys277delinsTer)

Gene: MC4R (melanocortin 4 receptor; minus strand). Cytogenetic location: 18q21.32.
Variant type: Deletion.
Coding change: c.828_829del on transcript NM_005912.3 (MANE Select); coding-DNA positions 828 to 829, 2 bases deleted (TT; older notation c.828_829delTT).
Protein change: p.Tyr276_Cys277delinsTer.
Molecular consequence: nonsense.
Genome position (GRCh38, 1-based): chr18:60,371,521-60,371,522, AA deleted on the plus strand (TT on the coding strand, the reverse complement: MC4R is on the minus strand). VCF-style (leftmost placement, unchanged base first): chr18-60371520-CAA-C. GRCh37 (hg19) VCF-style: chr18-58038753-CAA-C.
Other names: c.828_829delTT (NM_005912.2).
Identifiers: ClinVar variation 4540613 (VCV004540613.3).